The following is an entry in ClinVar:

ClinVar aggregate classification (germline): Uncertain significance. Review status: criteria provided, multiple submitters, no conflicts (2 of 4 stars). 8 submissions from 8 submitters: Uncertain significance (8). Last evaluated 2025-12-15.

Conditions:
Juvenile polyposis syndrome (JPS). Identifiers: Orphanet 2929, MedGen C0345893, MONDO:0017380, OMIM 174900.
Polyposis syndrome, hereditary mixed, 2. Identifiers: Orphanet 157794, MedGen C1864730, MONDO:0012405, OMIM 610069.
Hereditary cancer-predisposing syndrome. Also called: Neoplastic Syndromes, Hereditary; Hereditary Cancer Syndrome; Hereditary neoplastic syndrome; Tumor predisposition. Identifiers: Orphanet 140162, MedGen C0027672, MeSH D009386, MONDO:0015356.

Allele frequency attached by ClinVar (database versions not stated): gnomAD exomes below 0.00001.

Submissions (8):

Labcorp Genetics (formerly Invitae), Labcorp
Classification: Uncertain significance for Juvenile polyposis syndrome. Last evaluated: 2025-12-15. Review status: criteria provided, single submitter. Criteria: Invitae Variant Classification Sherloc (09022015). Collection method: clinical testing. Allele origin: germline.
Comment: This sequence change replaces threonine, which is neutral and polar, with serine, which is neutral and polar, at codon 137 of the BMPR1A protein (p.Thr137Ser). This variant is not present in population databases (gnomAD no frequency). This variant has not been reported in the literature in individuals affected with BMPR1A-related conditions. ClinVar contains an entry for this variant (Variation ID: 824590). Invitae Evidence Modeling of protein sequence and biophysical properties (such as structural, functional, and spatial information, amino acid conservation, physicochemical variation, residue mobility, and thermodynamic stability) indicates that this missense variant is not expected to disrupt BMPR1A protein function with a negative predictive value of 80%. In summary, the available evidence is currently insufficient to determine the role of this variant in disease. Therefore, it has been classified as a Variant of Uncertain Significance.

Quest Diagnostics Nichols Institute San Juan Capistrano
Classification: Uncertain significance. Last evaluated: 2025-08-19. Review status: criteria provided, single submitter. Criteria: Quest Diagnostics criteria. Collection method: clinical testing. Allele origin: unknown.
Comment: The BMPR1A c.409A>T (p.Thr137Ser) variant has not been reported in individuals with BMPR1A-related conditions in the published literature. This variant has not been reported in large, multi-ethnic general populations (Genome Aggregation Database). Analysis of this variant using bioinformatics tools for the prediction of the effect of amino acid changes on protein structure and function yielded predictions that this variant is benign. Based on the available information, we are unable to determine the clinical significance of this variant.

Women's Health and Genetics/Laboratory Corporation of America, LabCorp
Classification: Uncertain significance. Last evaluated: 2025-07-10. Review status: criteria provided, single submitter. Criteria: LabCorp Variant Classification Summary - May 2015. Collection method: clinical testing. Allele origin: germline.

Ambry Genetics
Classification: Uncertain significance for Hereditary cancer-predisposing syndrome. Last evaluated: 2024-11-12. Review status: criteria provided, single submitter. Criteria: Ambry Variant Classification Scheme 2023. Collection method: clinical testing. Allele origin: germline.
Comment: The p.T137S variant (also known as c.409A>T), located in coding exon 4 of the BMPR1A gene, results from an A to T substitution at nucleotide position 409. The threonine at codon 137 is replaced by serine, an amino acid with similar properties. This amino acid position is highly conserved in available vertebrate species. In addition, the in silico prediction for this alteration is inconclusive. Since supporting evidence is limited at this time, the clinical significance of this alteration remains unclear.

Baylor Genetics
Classification: Uncertain significance for Polyposis syndrome, hereditary mixed, 2. Last evaluated: 2023-12-31. Review status: criteria provided, single submitter. Criteria: ACMG Guidelines, 2015. Collection method: clinical testing. Allele origin: unknown.

All of Us Research Program, National Institutes of Health
Classification: Uncertain significance for Juvenile polyposis syndrome. Last evaluated: 2023-12-15. Review status: criteria provided, single submitter. Criteria: ACMG Guidelines, 2015. Collection method: clinical testing. Allele origin: germline. Inheritance: Autosomal dominant inheritance. Observed: 1 variant allele, 1 heterozygote.
Comment: This study involves interpretation of variants in research participants for the purpose of population health screening. Participant phenotype was not available at the time of variant classification. Additional details can be found in publication PMID: 35346344, PMCID: PMC8962531

GeneDx
Classification: Uncertain significance. Last evaluated: 2023-11-08. Review status: criteria provided, single submitter. Criteria: GeneDx Variant Classification Process June 2021. Collection method: clinical testing. Allele origin: germline. Affected: yes.
Comment: Not observed at significant frequency in large population cohorts (gnomAD); In silico analysis supports that this missense variant does not alter protein structure/function; Has not been previously published as pathogenic or benign to our knowledge

Color Diagnostics, LLC DBA Color Health
Classification: Uncertain significance for Hereditary cancer-predisposing syndrome. Last evaluated: 2018-11-03. Review status: criteria provided, single submitter. Criteria: ACMG Guidelines, 2015. Collection method: clinical testing. Allele origin: germline.

NM_004329.3(BMPR1A):c.409A>T (p.Thr137Ser)

Gene: BMPR1A (bone morphogenetic protein receptor type 1A; plus strand). Cytogenetic location: 10q23.2.
Variant type: single nucleotide variant.
Coding change: c.409A>T on transcript NM_004329.3 (MANE Select); coding-DNA position 409, A replaced by T.
Protein change: p.Thr137Ser; replaces threonine 137 with serine.
Molecular consequence: missense variant.
Genome position (GRCh38, 1-based): chr10:86,899,869, A>T. VCF-style: chr10-86899869-A-T. GRCh37 (hg19) VCF-style: chr10-88659626-A-T.
Other names: short protein forms T137S.
Identifiers: ClinVar variation 824590 (VCV000824590.20), dbSNP rs1589768079, ClinGen allele CA377449801.
Genomic context (GRCh38, chr10:86,899,869, plus strand): 5'-CAGCTACGCCGGACAATAGAATGTTGTCGGACCAATTTATGTAACCAGTATTTGCAACCC[A>T]CACTGCCCCCTGTTGTCATAGGTAGGTTAGCCGAGAAAAGTCGGAGCATGCTTCTCAAAT-3'
Protein context (NP_004320.2, residues 127-147): TNLCNQYLQP[Thr137Ser]LPPVVIGPFF